The following is an entry in ClinVar:

ClinVar aggregate classification (germline): Uncertain significance (1 of 4 stars; one submission).

gnomAD v4.1: 19 of 1,613,618 alleles (0.0012%); highest among the groups gnomAD compares: South Asian, 0.019%; no homozygotes.

Submission:

CeGaT Center for Human Genetics Tuebingen
Classification: Uncertain significance. Last evaluated: 2025-11-01. Review status: criteria provided, single submitter. Criteria: CeGaT Center For Human Genetics Tuebingen Variant Classification Criteria Version 2. Collection method: clinical testing. Allele origin: germline. Affected: yes. Observed: 1 variant allele.
Comment: SNAPC4: PM2, BP4

NM_003086.4(SNAPC4):c.413C>T (p.Pro138Leu)

Gene: SNAPC4 (small nuclear RNA activating complex polypeptide 4; minus strand). Cytogenetic location: 9q34.3.
Variant type: single nucleotide variant.
Coding change: c.413C>T on transcript NM_003086.4 (MANE Select); coding-DNA position 413, C replaced by T.
Protein change: p.Pro138Leu; replaces proline 138 with leucine.
Molecular consequence: missense variant.
Genome position (GRCh38, 1-based): chr9:136,395,356, G>A on the plus strand (C>T on the coding strand, the complement: SNAPC4 is on the minus strand). VCF-style: chr9-136395356-G-A. GRCh37 (hg19) VCF-style: chr9-139289808-G-A.
Other names: c.413C>T, p.Pro138Leu (NM_001394201.1, NM_001394202.1, NM_001394203.1); short protein forms P138L.
Identifiers: ClinVar variation 4534296 (VCV004534296.6).
Genomic context (GRCh38, chr9:136,395,356, plus strand): 5'-ACCACGCCCGTGACCTTGTCCTTGAAATACGGCTTCATGAAGTGCCCCATGTATGTGCTT[G>A]GGGGCAGGCTTTTGCCATCTTTCACCTTGGTGCCTTTGGACCCAGCCAGATCCCTCATGA-3'
Protein context (NP_003077.2, residues 128-148): TKVKDGKSLP[Pro138Leu]STYMGHFMKP